The following is an entry in ClinVar:

NM_000059.4(BRCA2):c.7071G>A (p.Leu2357=)

Gene: BRCA2 (BRCA2 DNA repair associated; plus strand). Cytogenetic location: 13q13.1.
Variant type: single nucleotide variant.
Coding change: c.7071G>A on transcript NM_000059.4 (MANE Select); coding-DNA position 7071, G replaced by A.
Protein change: p.Leu2357=; no amino-acid change (leucine 2357 retained).
Molecular consequence: synonymous variant.
Genome position (GRCh38, 1-based): chr13:32,354,924, G>A. VCF-style: chr13-32354924-G-A. GRCh37 (hg19) VCF-style: chr13-32929061-G-A.
Identifiers: ClinVar variation 485415 (VCV000485415.17), dbSNP rs45496492, ClinGen allele CA483439371.

ClinVar aggregate classification (germline): Likely benign. Review status: criteria provided, multiple submitters, no conflicts (2 of 4 stars). 5 submissions from 5 submitters: Likely benign (5). Last evaluated 2025-09-10.

Conditions:
Breast-ovarian cancer, familial, susceptibility to, 2 (BROVCA2). Also called: BRCA2 Hereditary Breast and Ovarian Cancer. Identifiers: Orphanet 145, MedGen C2675520, MONDO:0012933, OMIM 612555. Disease mechanism: loss of function.
Familial cancer of breast. Also called: BREAST CANCER, FAMILIAL; Hereditary breast cancer; hereditary breast carcinoma. Identifiers: Orphanet 227535, MedGen C0346153, MONDO:0016419, OMIM 114480. Disease mechanism: loss of function.
Hereditary breast ovarian cancer syndrome. Also called: Hereditary breast and ovarian cancer syndrome (HBOC); Breast and ovarian cancer; Hereditary breast and ovarian cancer syndrome; Hereditary breast and ovarian cancer; Hereditary breast and/or ovarian cancer syndrome; BRCA1- and BRCA2-Associated Hereditary Breast and Ovarian Cancer. Identifiers: Orphanet 145, MedGen C0677776, MeSH D061325, MONDO:0003582. Disease mechanism: loss of function.
Hereditary cancer-predisposing syndrome. Also called: Hereditary neoplastic syndrome; Neoplastic Syndromes, Hereditary; Tumor predisposition; Hereditary Cancer Syndrome. Identifiers: Orphanet 140162, MedGen C0027672, MeSH D009386, MONDO:0015356.

Allele frequency attached by ClinVar (database versions not stated): gnomAD 0.00001.
gnomAD v4.1: 4 of 1,613,770 alleles (0.00025%); highest among the groups gnomAD compares: Admixed American, 0.0033%; no homozygotes.

Submissions (5):

Labcorp Genetics (formerly Invitae), Labcorp
Classification: Likely benign for Hereditary breast ovarian cancer syndrome. Last evaluated: 2025-09-10. Review status: criteria provided, single submitter. Criteria: Invitae Variant Classification Sherloc (09022015). Collection method: clinical testing. Allele origin: germline.

Women's Health and Genetics/Laboratory Corporation of America, LabCorp
Classification: Likely benign. Last evaluated: 2025-05-31. Review status: criteria provided, single submitter. Criteria: LabCorp Variant Classification Summary - May 2015. Collection method: clinical testing. Allele origin: germline.

All of Us Research Program, National Institutes of Health
Classification: Likely benign for Breast-ovarian cancer, familial, susceptibility to, 2. Last evaluated: 2023-08-15. Review status: criteria provided, single submitter. Criteria: ACMG Guidelines, 2015. Collection method: clinical testing. Allele origin: germline. Inheritance: Autosomal dominant inheritance. Observed: 1 variant allele, 1 heterozygote.
Comment: This study involves interpretation of variants in research participants for the purpose of population health screening. Participant phenotype was not available at the time of variant classification. Additional details can be found in publication PMID: 35346344, PMCID: PMC8962531

Department of Pathology and Laboratory Medicine, Sinai Health System
Classification: Likely benign for Familial cancer of breast; Breast-ovarian cancer, familial, susceptibility to, 2. Last evaluated: 2021-03-31. Review status: criteria provided, single submitter. Criteria: ACMG Guidelines, 2015. Collection method: clinical testing. Allele origin: germline. Affected: yes.

Ambry Genetics
Classification: Likely benign for Hereditary cancer-predisposing syndrome. Last evaluated: 2016-03-25. Review status: criteria provided, single submitter. Criteria: Ambry Variant Classification Scheme 2023. Collection method: clinical testing. Allele origin: germline.